The following is an entry in ClinVar:

ClinVar aggregate classification (germline): Uncertain significance (1 of 4 stars; one submission).

Conditions:
Cardiovascular phenotype. Identifiers: MedGen CN230736.

Submission:

Ambry Genetics
Classification: Uncertain significance for Cardiovascular phenotype. Last evaluated: 2025-02-10. Review status: criteria provided, single submitter. Criteria: Ambry Variant Classification Scheme 2023. Collection method: clinical testing. Allele origin: germline.
Comment: The p.H15N variant (also known as c.43C>A), located in coding exon 1 of the KCNE3 gene, results from a C to A substitution at nucleotide position 43. The histidine at codon 15 is replaced by asparagine, an amino acid with similar properties. This amino acid position is conserved. In addition, the in silico prediction for this alteration is inconclusive. Based on the available evidence, the clinical significance of this variant remains unclear.

NM_005472.5(KCNE3):c.43C>A (p.His15Asn)

Gene: KCNE3 (potassium voltage-gated channel subfamily E regulatory subunit 3; minus strand). Cytogenetic location: 11q13.4.
Variant type: single nucleotide variant.
Coding change: c.43C>A on transcript NM_005472.5 (MANE Select); coding-DNA position 43, C replaced by A.
Protein change: p.His15Asn; replaces histidine 15 with asparagine.
Molecular consequence: missense variant.
Genome position (GRCh38, 1-based): chr11:74,457,521, G>T on the plus strand (C>A on the coding strand, the complement: KCNE3 is on the minus strand). VCF-style: chr11-74457521-G-T. GRCh37 (hg19) VCF-style: chr11-74168566-G-T.
Other names: short protein forms H15N.
Identifiers: ClinVar variation 3862717 (VCV003862717.1).